The following is an entry in ClinVar:

ClinVar aggregate classification (germline): Conflicting classifications of pathogenicity. Review status: criteria provided, conflicting classifications (1 of 4 stars). 9 submissions from 9 submitters: Uncertain significance (2); Likely benign (6). 1 of the submissions does not count toward it. Last evaluated 2026-01-26.

Conditions:
BCKDHA-related disorder. Also called: BCKDHA-related condition.
Inborn genetic diseases. Identifiers: MedGen C0950123, MeSH D030342.
Maple syrup urine disease (MSUD). Identifiers: Orphanet 511, MedGen C0024776, MeSH D008375, MONDO:0009563. Disease mechanism: loss of function.

Allele frequency attached by ClinVar (database versions not stated): ExAC 0.00012; ESP Exome Variant Server 0.00015; 1000 Genomes Project 30x 0.00016; 1000 Genomes Project 0.00020; gnomAD 0.00021; TOPMed 0.00029.
gnomAD v4.1: 397 of 1,614,118 alleles (0.025%); highest among the groups gnomAD compares: Non-Finnish European, 0.031%; no homozygotes.

Submissions (9):

Labcorp Genetics (formerly Invitae), Labcorp
Classification: Likely benign for Maple syrup urine disease. Last evaluated: 2026-01-26. Review status: criteria provided, single submitter. Criteria: Invitae Variant Classification Sherloc (09022015). Collection method: clinical testing. Allele origin: germline.

Blueprint Genetics
Classification: Likely benign. Last evaluated: 2024-09-30. Review status: criteria provided, single submitter. Criteria: ACMG Guidelines, 2015. Collection method: clinical testing. Allele origin: germline.

Ambry Genetics
Classification: Likely benign for Inborn genetic diseases. Last evaluated: 2023-03-03. Review status: criteria provided, single submitter. Criteria: Ambry Variant Classification Scheme 2023. Collection method: clinical testing. Allele origin: germline.

Genome-Nilou Lab
Classification: Likely benign for Maple syrup urine disease type 1A. Last evaluated: 2021-11-07. Review status: criteria provided, single submitter. Criteria: ACMG Guidelines, 2015. Collection method: clinical testing. Allele origin: germline. Affected: no.

CeGaT Center for Human Genetics Tuebingen
Classification: Likely benign. Last evaluated: 2021-06-01. Review status: criteria provided, single submitter. Criteria: CeGaT Center For Human Genetics Tuebingen Variant Classification Criteria Version 2. Collection method: clinical testing. Allele origin: germline. Affected: yes. Observed: 1 variant allele.

GeneDx
Classification: Likely benign. Last evaluated: 2021-02-24. Review status: criteria provided, single submitter. Criteria: GeneDx Variant Classification Process June 2021. Collection method: clinical testing. Allele origin: germline. Affected: yes.

Illumina Laboratory Services, Illumina
Classification: Uncertain significance for Maple syrup urine disease type 1A. Last evaluated: 2017-04-27. Review status: criteria provided, single submitter. Criteria: ICSL Variant Classification Criteria 13 December 2019. Collection method: clinical testing. Allele origin: germline.

Eurofins Ntd Llc (ga)
Classification: Uncertain significance. Last evaluated: 2014-02-27. Review status: criteria provided, single submitter. Criteria: EGL Classification Definitions 2015. Collection method: clinical testing. Allele origin: germline. Observed: 1 variant allele, 1 heterozygote.

PreventionGenetics, part of Exact Sciences
Classification: Likely benign for BCKDHA-related condition. Last evaluated: 2024-05-19. Review status: no assertion criteria provided. Collection method: clinical testing. Allele origin: germline. Not counted in ClinVar's aggregate classification.
Comment: This variant is classified as likely benign based on ACMG/AMP sequence variant interpretation guidelines (Richards et al. 2015 PMID: 25741868, with internal and published modifications).

NM_000709.4(BCKDHA):c.1251C>T (p.Pro417=)

Gene: BCKDHA (branched chain keto acid dehydrogenase E1 subunit alpha; plus strand). Cytogenetic location: 19q13.2.
Variant type: single nucleotide variant.
Coding change: c.1251C>T on transcript NM_000709.4 (MANE Select); coding-DNA position 1251, C replaced by T.
Protein change: p.Pro417=; no amino-acid change (proline 417 retained).
Molecular consequence: synonymous variant.
Genome position (GRCh38, 1-based): chr19:41,424,521, C>T. VCF-style: chr19-41424521-C-T. GRCh37 (hg19) VCF-style: chr19-41930426-C-T.
Other names: c.1248C>T, p.Pro416= (NM_001164783.2).
Identifiers: ClinVar variation 166742 (VCV000166742.56), dbSNP rs147021347, ClinGen allele CA233525.